The following is an entry in ClinVar:

ClinVar aggregate classification (germline): Benign. Review status: criteria provided, multiple submitters, no conflicts (2 of 4 stars). 6 submissions from 6 submitters: Benign (6). Last evaluated 2026-01-27.

Conditions:
Pontoneocerebellar hypoplasia. Also called: Non-syndromic pontocerebellar hypoplasia; Pontocerebellar hypoplasia. Identifiers: Orphanet 98523, MedGen C1261175, MONDO:0020135.

Allele frequency attached by ClinVar (database versions not stated): ESP Exome Variant Server 0.01803; ExAC 0.02060; gnomAD exomes 0.02106; gnomAD 0.02345 and 0.02367; TOPMed 0.02584; 1000 Genomes Project 30x 0.04435; 1000 Genomes Project 0.04513.
gnomAD v4.1: 16,140 of 1,614,070 alleles (1%); highest among the groups gnomAD compares: East Asian, 15%; 734 homozygotes.

Submissions (6):

Labcorp Genetics (formerly Invitae), Labcorp
Classification: Benign. Last evaluated: 2026-01-27. Review status: criteria provided, single submitter. Criteria: Invitae Variant Classification Sherloc (09022015). Collection method: clinical testing. Allele origin: germline.

Illumina Laboratory Services, Illumina
Classification: Benign for Pontoneocerebellar hypoplasia. Last evaluated: 2018-01-13. Review status: criteria provided, single submitter. Criteria: ICSL Variant Classification Criteria 13 December 2019. Collection method: clinical testing. Allele origin: germline.
Comment: This variant was observed in the ICSL laboratory as part of a predisposition screen in an ostensibly healthy population. It had not been previously curated by ICSL or reported in the Human Gene Mutation Database (HGMD: prior to June 1st, 2018), and was therefore a candidate for classification through an automated scoring system. Utilizing variant allele frequency, disease prevalence and penetrance estimates, and inheritance mode, an automated score was calculated to assess if this variant is too frequent to cause the disease. Based on the score and internal cut-off values, a variant classified as benign is not then subjected to further curation. The score for this variant resulted in a classification of benign for this disease.

GeneDx
Classification: Benign. Last evaluated: 2014-04-15. Review status: criteria provided, single submitter. Criteria: GeneDx Variant Classification (06012015). Collection method: clinical testing. Allele origin: germline. Affected: yes.
Comment: This variant is considered likely benign or benign based on one or more of the following criteria: it is a conservative change, it occurs at a poorly conserved position in the protein, it is predicted to be benign by multiple in silico algorithms, and/or has population frequency not consistent with disease.

Genetic Services Laboratory, University of Chicago
Classification: Benign. Last evaluated: 2013-02-08. Review status: criteria provided, single submitter. Criteria: ACMG Guidelines, 2007. Collection method: clinical testing. Allele origin: germline. Inheritance: Autosomal recessive inheritance.

Breakthrough Genomics
Classification: Benign. Review status: criteria provided, single submitter. Criteria: ACMG Guidelines, 2015. Collection method: not provided. Allele origin: germline. Inheritance: Autosomal recessive inheritance. Affected: yes.

PreventionGenetics, part of Exact Sciences
Classification: Benign. Review status: criteria provided, single submitter. Criteria: ACMG Guidelines, 2015. Collection method: clinical testing. Allele origin: germline.

NM_001077446.4(TSEN34):c.688C>A (p.Arg230=)

Gene: TSEN34 (tRNA splicing endonuclease subunit 34; plus strand). Cytogenetic location: 19q13.42.
Variant type: single nucleotide variant.
Coding change: c.688C>A on transcript NM_001077446.4 (MANE Select); coding-DNA position 688, C replaced by A.
Protein change: p.Arg230=; no amino-acid change (arginine 230 retained).
Molecular consequence: synonymous variant.
Genome position (GRCh38, 1-based): chr19:54,192,316, C>A. VCF-style: chr19-54192316-C-A. GRCh37 (hg19) VCF-style: chr19-54696167-C-A.
Other names: p.R230R:CGA>AGA; c.688C>A, p.Arg230= (NM_001282332.2, NM_001282333.2, NM_001386740.1 and 1 more transcripts).
Identifiers: ClinVar variation 137754 (VCV000137754.18), dbSNP rs11879943, ClinGen allele CA173698.